The following is an entry in ClinVar:

ClinVar aggregate classification (germline): Pathogenic (1 of 4 stars; one submission).

Submission:

Labcorp Genetics (formerly Invitae), Labcorp
Classification: Pathogenic. Last evaluated: 2023-07-07. Review status: criteria provided, single submitter. Criteria: Invitae Variant Classification Sherloc (09022015). Collection method: clinical testing. Allele origin: germline.
Comment: This sequence change creates a premature translational stop signal (p.Glu287*) in the TULP1 gene. It is expected to result in an absent or disrupted protein product. Loss-of-function variants in TULP1 are known to be pathogenic (PMID: 8606774, 10549638, 15024725, 18055821). This variant is not present in population databases (gnomAD no frequency). This variant has not been reported in the literature in individuals affected with TULP1-related conditions. ClinVar contains an entry for this variant (Variation ID: 1943495). Algorithms developed to predict the effect of sequence changes on RNA splicing suggest that this variant may disrupt the consensus splice site. For these reasons, this variant has been classified as Pathogenic.

Literature cited by the submitters: PubMed 8606774; PubMed 10549638; PubMed 15024725; PubMed 18055821.

NM_003322.6(TULP1):c.859G>T (p.Glu287Ter)

Gene: TULP1 (TUB like protein 1; minus strand). Cytogenetic location: 6p21.31.
Variant type: single nucleotide variant.
Coding change: c.859G>T on transcript NM_003322.6 (MANE Select); coding-DNA position 859, G replaced by T.
Protein change: p.Glu287Ter; replaces glutamic acid 287 with a stop codon.
Molecular consequence: nonsense.
Genome position (GRCh38, 1-based): chr6:35,506,143, C>A on the plus strand (G>T on the coding strand, the complement: TULP1 is on the minus strand). VCF-style: chr6-35506143-C-A. GRCh37 (hg19) VCF-style: chr6-35473920-C-A.
Other names: c.700G>T, p.Glu234Ter (NM_001289395.2); short protein forms E234*, E287*.
Identifiers: ClinVar variation 1943495 (VCV001943495.5), dbSNP rs770681790, ClinGen allele CA363780428.
Genomic context (GRCh38, chr6:35,506,143, plus strand): 5'-AGCGCACCGTGCGGCCCTGGGGGGCAGGCCGGAGCACAAACTCCCGGGGTTCGTCCACCT[C>A]CACGGGGGGAGACGGGGCCCTCTCCTCCTTCTGGGTGGGGGCAGAGGGTACATCAGCCCC-3'